The following is an entry in ClinVar:

NM_001148.6(ANK2):c.4045A>G (p.Met1349Val)

Gene: ANK2 (ankyrin 2; plus strand). Cytogenetic location: 4q26.
Variant type: single nucleotide variant.
Coding change: c.4045A>G on transcript NM_001148.6 (MANE Select); coding-DNA position 4045, A replaced by G.
Protein change: p.Met1349Val; replaces methionine 1349 with valine.
Molecular consequence: missense variant.
Genome position (GRCh38, 1-based): chr4:113,341,839, A>G. VCF-style: chr4-113341839-A-G. GRCh37 (hg19) VCF-style: chr4-114262995-A-G.
Other names: c.4162A>G, p.Met1388Val (NM_001386175.1); c.4030A>G, p.Met1344Val (NM_001386186.2, NM_001386148.2); c.3910A>G, p.Met1304Val (NM_001386187.2); c.4045A>G, p.Met1349Val (NM_020977.5); c.4018A>G, p.Met1340Val (NM_001127493.3); c.4057A>G, p.Met1353Val (NM_001354225.2); c.3946A>G, p.Met1316Val (NM_001354228.2, NM_001354258.2); c.4024A>G, p.Met1342Val (NM_001354230.2); and 31 more; short protein forms M1340V, M1349V, M1262V, M1283V, M1287V, M1294V, M1316V, M1327V.
Identifiers: ClinVar variation 496110 (VCV000496110.12), dbSNP rs765236990, ClinGen allele CA3050973.
Genomic context (GRCh38, chr4:113,341,839, plus strand): 5'-AAATTTGTAGTGTTTGCCAAATCACATGACCCCATTGAAGCCAGGTTGAGGTGTTTCTGC[A>G]TGACTGATGATAAAGTGGATAAGACCCTTGAACAACAAGAAAATTTTGCTGAGGTGGCCA-3'
Protein context (NP_001139.3, residues 1339-1359): PIEARLRCFC[Met1349Val]TDDKVDKTLE

ClinVar aggregate classification (germline): Uncertain significance. Review status: criteria provided, multiple submitters, no conflicts (2 of 4 stars). 4 submissions from 4 submitters: Uncertain significance (4). Last evaluated 2026-07-01.

Conditions:
Long QT syndrome (LQTS). Identifiers: MedGen C0023976, MeSH D008133, MONDO:0002442. Disease mechanism: loss of function. Inheritance: Various modes of inheritance.

Allele frequency attached by ClinVar (database versions not stated): ExAC 0.00001; gnomAD 0.00001; gnomAD exomes 0.00001; TOPMed 0.00002.

Submissions (4):

CeGaT Center for Human Genetics Tuebingen
Classification: Uncertain significance. Last evaluated: 2026-07-01. Review status: criteria provided, single submitter. Criteria: CeGaT Center For Human Genetics Tuebingen Variant Classification Criteria Version 2. Collection method: clinical testing. Allele origin: germline. Affected: yes. Observed: 1 variant allele.

Labcorp Genetics (formerly Invitae), Labcorp
Classification: Uncertain significance for Long QT syndrome. Last evaluated: 2025-05-16. Review status: criteria provided, single submitter. Criteria: Invitae Variant Classification Sherloc (09022015). Collection method: clinical testing. Allele origin: germline.
Comment: This sequence change replaces methionine, which is neutral and non-polar, with valine, which is neutral and non-polar, at codon 1349 of the ANK2 protein (p.Met1349Val). This variant is present in population databases (rs765236990, gnomAD 0.002%). This variant has not been reported in the literature in individuals affected with ANK2-related conditions. ClinVar contains an entry for this variant (Variation ID: 496110). Invitae Evidence Modeling of protein sequence and biophysical properties (such as structural, functional, and spatial information, amino acid conservation, physicochemical variation, residue mobility, and thermodynamic stability) indicates that this missense variant is not expected to disrupt ANK2 protein function with a negative predictive value of 80%. In summary, the available evidence is currently insufficient to determine the role of this variant in disease. Therefore, it has been classified as a Variant of Uncertain Significance.

Mayo Clinic Laboratories, Mayo Clinic
Classification: Uncertain significance. Last evaluated: 2021-02-11. Review status: criteria provided, single submitter. Criteria: ACMG Guidelines, 2015. Collection method: clinical testing. Allele origin: germline. Observed: 1 variant allele.

Women's Health and Genetics/Laboratory Corporation of America, LabCorp
Classification: Uncertain significance. Last evaluated: 2017-06-26. Review status: criteria provided, single submitter. Criteria: LabCorp Variant Classification Summary - May 2015. Collection method: clinical testing. Allele origin: germline.
Comment: Variant summary: The ANK2 c.4045A>G (p.Met1349Val) variant involves the alteration of a conserved nucleotide, resulting in a missense substitution that does not lie within a known functional domain (InterPro). 3/4 in silico tools predict a damaging outcome for this variant (SNPsandGO not accessible at the time of evaluationl). This variant was found in the large control database ExAC at a frequency of 0.0000082 (1/121394 control chromosomes), which does not exceed the estimated maximal expected allele frequency of a pathogenic ANK2 variant (0.00001). To our knowledge, the variant of interest has not been reported in affected individuals via publications and/or reputable databases/clinical diagnostic laboratories, nor has it been evaluated for functional impact by in vivo/vitro studies. Because of the absence of clinical information and the lack of functional studies, the variant is classified as a variant of uncertain significance (VUS) until additional information becomes available.